The following is an entry in ClinVar:

ClinVar aggregate classification (germline): Uncertain significance. Review status: criteria provided, multiple submitters, no conflicts (2 of 4 stars). 2 submissions from 2 submitters: Uncertain significance (2). Last evaluated 2025-09-02.

gnomAD v4.1: 28 of 1,610,162 alleles (0.0017%); highest among the groups gnomAD compares: Non-Finnish European, 0.0022%; no homozygotes.

Submissions (2):

Labcorp Genetics (formerly Invitae), Labcorp
Classification: Uncertain significance. Last evaluated: 2025-09-02. Review status: criteria provided, single submitter. Criteria: Invitae Variant Classification Sherloc (09022015). Collection method: clinical testing. Allele origin: germline.
Comment: This sequence change replaces aspartic acid, which is acidic and polar, with asparagine, which is neutral and polar, at codon 97 of the ARHGEF1 protein (p.Asp97Asn). This variant is present in population databases (rs374342194, gnomAD 0.005%). This variant has not been reported in the literature in individuals affected with ARHGEF1-related conditions. ClinVar contains an entry for this variant (Variation ID: 3312600). An algorithm developed to predict the effect of missense changes on protein structure and function (PolyPhen-2) suggests that this variant is likely to be disruptive. In summary, the available evidence is currently insufficient to determine the role of this variant in disease. Therefore, it has been classified as a Variant of Uncertain Significance.

Ambry Genetics
Classification: Uncertain significance. Last evaluated: 2024-06-17. Review status: criteria provided, single submitter. Criteria: Ambry Variant Classification Scheme 2023. Collection method: clinical testing. Allele origin: germline.

NM_004706.4(ARHGEF1):c.244G>A (p.Asp82Asn)

Gene: ARHGEF1 (Rho guanine nucleotide exchange factor 1; plus strand). Cytogenetic location: 19q13.2.
Variant type: single nucleotide variant.
Coding change: c.244G>A on transcript NM_004706.4 (MANE Select); coding-DNA position 244, G replaced by A.
Protein change: p.Asp82Asn; replaces aspartic acid 82 with asparagine.
Molecular consequence: missense variant. On other transcripts: non-coding transcript variant (2), intron variant (3).
Genome position (GRCh38, 1-based): chr19:41,892,043, G>A. VCF-style: chr19-41892043-G-A. GRCh37 (hg19) VCF-style: chr19-42396114-G-A.
Other names: c.244G>A, p.Asp82Asn (NM_001396000.1, NM_001396003.1, NM_001396006.1); c.289G>A, p.Asp97Asn (NM_199002.2); c.226-288G>A (NM_001396002.1, NM_198977.2, NM_001396004.1); short protein forms D82N, D97N.
Identifiers: ClinVar variation 3312600 (VCV003312600.2).